The following is an entry in ClinVar:

NM_001003722.2(GLE1):c.2029-5A>G

Genes: GLE1 (GLE1 RNA export mediator; plus strand), LOC101929270 (uncharacterized LOC101929270; minus strand). Cytogenetic location: 9q34.11.
Variant type: single nucleotide variant.
Coding change: c.2029-5A>G on transcript NM_001003722.2 (MANE Select); 5 bases into the intron before coding-DNA position 2029, A replaced by G.
Molecular consequence: intron variant.
Genome position (GRCh38, 1-based): chr9:128,541,097, A>G. VCF-style: chr9-128541097-A-G. GRCh37 (hg19) VCF-style: chr9-131303376-A-G.
Identifiers: ClinVar variation 1148496 (VCV001148496.11), dbSNP rs994582379, ClinGen allele CA200395391.

ClinVar aggregate classification (germline): Conflicting classifications of pathogenicity. Review status: criteria provided, conflicting classifications (1 of 4 stars). 2 submissions from 2 submitters: Uncertain significance (1); Likely benign (1). Last evaluated 2023-12-05.

Conditions:
Lethal arthrogryposis-anterior horn cell disease syndrome (CAAHD). Also called: CONGENITAL ARTHROGRYPOSIS WITH ANTERIOR HORN CELL DISEASE. Identifiers: Orphanet 53696, MedGen C5193016, MONDO:0012750, OMIM 611890.

Allele frequency attached by ClinVar (database versions not stated): gnomAD exomes below 0.00001 and 0.00001; gnomAD 0.00003 and 0.00004; TOPMed 0.00004.
gnomAD v4.1: 9 of 1,526,040 alleles (0.00059%); highest among the groups gnomAD compares: African/African-American, 0.011%; no homozygotes.

Submissions (2):

Labcorp Genetics (formerly Invitae), Labcorp
Classification: Likely benign. Last evaluated: 2023-12-05. Review status: criteria provided, single submitter. Criteria: Invitae Variant Classification Sherloc (09022015). Collection method: clinical testing. Allele origin: germline.

Laboratorio de Genetica e Diagnostico Molecular, Hospital Israelita Albert Einstein
Classification: Uncertain significance for Lethal arthrogryposis-anterior horn cell disease syndrome. Last evaluated: 2021-08-04. Review status: criteria provided, single submitter. Criteria: ACMG Guidelines, 2015. Collection method: clinical testing. Allele origin: germline. Affected: yes.
Comment: ACMG classification criteria: PM2 moderate